The following is an entry in ClinVar:

NM_004795.4(KL):c.2688C>T (p.Asn896=)

Gene: KL (klotho; plus strand). Cytogenetic location: 13q13.1.
Variant type: single nucleotide variant.
Coding change: c.2688C>T on transcript NM_004795.4 (MANE Select); coding-DNA position 2688, C replaced by T.
Protein change: p.Asn896=; no amino-acid change (asparagine 896 retained).
Molecular consequence: synonymous variant.
Genome position (GRCh38, 1-based): chr13:33,061,767, C>T. VCF-style: chr13-33061767-C-T. GRCh37 (hg19) VCF-style: chr13-33635904-C-T.
Identifiers: ClinVar variation 881928 (VCV000881928.13), dbSNP rs145682430, ClinGen allele CA6944357.
Genomic context (GRCh38, chr13:33,061,767, plus strand): 5'-TGACGGGCTGCATGCTGAGGACGACCAGCTGAGGGTGTATTATATGCAGAATTACATAAA[C>T]GAAGCTCTCAAAGGTAAGGAGCCCTAGCTGCGGCTATCTCCTGAAGGTTATGTCACCAGA-3'
Protein context (NP_004786.2, residues 886-906): LRVYYMQNYI[Asn896=]EALKAHILDG

ClinVar aggregate classification (germline): Benign. Review status: criteria provided, multiple submitters, no conflicts (2 of 4 stars). 4 submissions from 4 submitters: Benign (3). 1 of the submissions does not count toward it. Last evaluated 2026-02-01.

Conditions:
KL-related disorder. Also called: KL-related condition.
Tumoral calcinosis, hyperphosphatemic, familial, 3. Identifiers: MedGen C4693864, MONDO:0060715, OMIM 617994.

Allele frequency attached by ClinVar (database versions not stated): ESP Exome Variant Server 0.00015; gnomAD exomes 0.00056 and 0.00187; gnomAD 0.00067 and 0.00088; TOPMed 0.00133; ExAC 0.00177; 1000 Genomes Project 30x 0.00234; 1000 Genomes Project 0.00280.
gnomAD v4.1: 1,005 of 1,613,562 alleles (0.062%); highest among the groups gnomAD compares: East Asian, 1.8%; 6 homozygotes.

Submissions (4):

Labcorp Genetics (formerly Invitae), Labcorp
Classification: Benign. Last evaluated: 2026-02-01. Review status: criteria provided, single submitter. Criteria: Invitae Variant Classification Sherloc (09022015). Collection method: clinical testing. Allele origin: germline.

Fulgent Genetics
Classification: Benign for Tumoral calcinosis, hyperphosphatemic, familial, 3. Last evaluated: 2021-10-22. Review status: criteria provided, single submitter. Criteria: ACMG Guidelines, 2015. Collection method: clinical testing. Allele origin: unknown.

Illumina Laboratory Services, Illumina
Classification: Benign for Tumoral calcinosis, hyperphosphatemic, familial, 3. Last evaluated: 2017-04-27. Review status: criteria provided, single submitter. Criteria: ICSL Variant Classification Criteria 13 December 2019. Collection method: clinical testing. Allele origin: germline.
Comment: This variant was observed as part of a predisposition screen in an ostensibly healthy population. A literature search was performed for the gene, cDNA change, and amino acid change (where applicable). No publications were found based on this search. Allele frequency data from public databases was too high to be consistent with this variant causing disease. Therefore, this variant is classified as benign.

PreventionGenetics, part of Exact Sciences
Classification: Benign for KL-related condition. Last evaluated: 2024-04-11. Review status: no assertion criteria provided. Collection method: clinical testing. Allele origin: germline. Not counted in ClinVar's aggregate classification.
Comment: This variant is classified as benign based on ACMG/AMP sequence variant interpretation guidelines (Richards et al. 2015 PMID: 25741868, with internal and published modifications).